The following is an entry in ClinVar:

ClinVar aggregate classification (germline): Uncertain significance (1 of 4 stars; one submission).

Allele frequency attached by ClinVar (database versions not stated): gnomAD exomes below 0.00001.
gnomAD v4.1: 1 of 1,612,840 alleles (0.000062%); highest among the groups gnomAD compares: Admixed American, 0.0017%; no homozygotes.

Submission:

Labcorp Genetics (formerly Invitae), Labcorp
Classification: Uncertain significance. Last evaluated: 2022-08-23. Review status: criteria provided, single submitter. Criteria: Invitae Variant Classification Sherloc (09022015). Collection method: clinical testing. Allele origin: germline.
Comment: Algorithms developed to predict the effect of missense changes on protein structure and function output the following: SIFT: "Not Available"; PolyPhen-2: "Benign"; Align-GVGD: "Not Available". The proline amino acid residue is found in multiple mammalian species, which suggests that this missense change does not adversely affect protein function. This sequence change replaces serine with proline at codon 193 of the NSMF protein (p.Ser193Pro). The serine residue is weakly conserved and there is a moderate physicochemical difference between serine and proline. This variant is present in population databases (no rsID available, gnomAD 0.003%). This variant has not been reported in the literature in individuals affected with NSMF-related conditions. ClinVar contains an entry for this variant (Variation ID: 1473858). In summary, the available evidence is currently insufficient to determine the role of this variant in disease. Therefore, it has been classified as a Variant of Uncertain Significance.

NM_001130969.3(NSMF):c.577T>C (p.Ser193Pro)

Gene: NSMF (NMDA receptor synaptonuclear signaling and neuronal migration factor; minus strand). Cytogenetic location: 9q34.3.
Variant type: single nucleotide variant.
Coding change: c.577T>C on transcript NM_001130969.3 (MANE Select); coding-DNA position 577, T replaced by C.
Protein change: p.Ser193Pro; replaces serine 193 with proline.
Molecular consequence: missense variant.
Genome position (GRCh38, 1-based): chr9:137,457,458, A>G on the plus strand (T>C on the coding strand, the complement: NSMF is on the minus strand). VCF-style: chr9-137457458-A-G. GRCh37 (hg19) VCF-style: chr9-140351910-A-G.
Other names: c.577T>C, p.Ser193Pro (NM_001130970.2, NM_001130971.2, NM_001178064.2 and 1 more transcripts); short protein forms S193P.
Identifiers: ClinVar variation 1473858 (VCV001473858.6), dbSNP rs1443591046, ClinGen allele CA375766999.
Genomic context (GRCh38, chr9:137,457,458, plus strand): 5'-ACCCCTCACCAGACACACGGTCAACGCTGTACATCCTCTCCAGCTTCTTGCGGCGACCGG[A>G]GGTCTCAGGCAGAGGTGGCTGGTCCAGCCCAAAGGCCCGAGGGGTGGGGCCAGGAGCCAG-3'
Protein context (NP_001124441.1, residues 183-203): GLDQPPLPET[Ser193Pro]GRRKKLERMY